The following is an entry in ClinVar:

ClinVar aggregate classification (germline): Uncertain significance (1 of 4 stars; one submission).

Allele frequency attached by ClinVar (database versions not stated): gnomAD exomes 0.00001 and 0.00002; TOPMed 0.00001; ExAC 0.00002; gnomAD 0.00003; ESP Exome Variant Server 0.00008.
gnomAD v4.1: 22 of 1,613,658 alleles (0.0014%); highest among the groups gnomAD compares: Non-Finnish European, 0.0019%; no homozygotes.

Submission:

Labcorp Genetics (formerly Invitae), Labcorp
Classification: Uncertain significance. Last evaluated: 2021-03-12. Review status: criteria provided, single submitter. Criteria: Invitae Variant Classification Sherloc (09022015). Collection method: clinical testing. Allele origin: germline.
Comment: This sequence change replaces alanine with valine at codon 551 of the PTPN23 protein (p.Ala551Val). The alanine residue is moderately conserved and there is a small physicochemical difference between alanine and valine. This variant is present in population databases (rs148898265, ExAC 0.005%). This variant has not been reported in the literature in individuals with PTPN23-related conditions. Algorithms developed to predict the effect of missense changes on protein structure and function are either unavailable or do not agree on the potential impact of this missense change (SIFT: "Tolerated"; PolyPhen-2: "Not Available"; Align-GVGD: "Class C0"). In summary, the available evidence is currently insufficient to determine the role of this variant in disease. Therefore, it has been classified as a Variant of Uncertain Significance.

NM_015466.4(PTPN23):c.1652C>T (p.Ala551Val)

Gene: PTPN23 (protein tyrosine phosphatase non-receptor type 23; plus strand). Cytogenetic location: 3p21.31.
Variant type: single nucleotide variant.
Coding change: c.1652C>T on transcript NM_015466.4 (MANE Select); coding-DNA position 1652, C replaced by T.
Protein change: p.Ala551Val; replaces alanine 551 with valine.
Molecular consequence: missense variant.
Genome position (GRCh38, 1-based): chr3:47,409,172, C>T. VCF-style: chr3-47409172-C-T. GRCh37 (hg19) VCF-style: chr3-47450662-C-T.
Other names: c.1274C>T, p.Ala425Val (NM_001304482.2); short protein forms A425V, A551V.
Identifiers: ClinVar variation 1493070 (VCV001493070.8), dbSNP rs148898265, ClinGen allele CA2365794.